The following is an entry in ClinVar:

ClinVar aggregate classification (germline): Uncertain significance (1 of 4 stars; one submission).

Conditions:
Early Myoclonic Encephalopathy. Identifiers: MedGen C0270855.

Allele frequency attached by ClinVar (database versions not stated): ESP Exome Variant Server 0.00008.

Submission:

Labcorp Genetics (formerly Invitae), Labcorp
Classification: Uncertain significance for Early Myoclonic Encephalopathy. Last evaluated: 2025-07-27. Review status: criteria provided, single submitter. Criteria: Invitae Variant Classification Sherloc (09022015). Collection method: clinical testing. Allele origin: germline.
Comment: This sequence change replaces cysteine, which is neutral and slightly polar, with arginine, which is basic and polar, at codon 1448 of the JMJD1C protein (p.Cys1448Arg). This variant is present in population databases (rs370840996, gnomAD 0.006%). This variant has not been reported in the literature in individuals affected with JMJD1C-related conditions. ClinVar contains an entry for this variant (Variation ID: 952716). Invitae Evidence Modeling of protein sequence and biophysical properties (such as structural, functional, and spatial information, amino acid conservation, physicochemical variation, residue mobility, and thermodynamic stability) indicates that this missense variant is not expected to disrupt JMJD1C protein function with a negative predictive value of 80%. In summary, the available evidence is currently insufficient to determine the role of this variant in disease. Therefore, it has been classified as a Variant of Uncertain Significance.

NM_032776.3(JMJD1C):c.4342T>C (p.Cys1448Arg)

Gene: JMJD1C (jumonji domain containing 1C; minus strand). Cytogenetic location: 10q21.3.
Variant type: single nucleotide variant.
Coding change: c.4342T>C on transcript NM_032776.3 (MANE Select); coding-DNA position 4342, T replaced by C.
Protein change: p.Cys1448Arg; replaces cysteine 1448 with arginine.
Molecular consequence: missense variant. On other transcripts: non-coding transcript variant (1).
Genome position (GRCh38, 1-based): chr10:63,207,327, A>G on the plus strand (T>C on the coding strand, the complement: JMJD1C is on the minus strand). VCF-style: chr10-63207327-A-G. GRCh37 (hg19) VCF-style: chr10-64967087-A-G.
Other names: c.3796T>C, p.Cys1266Arg (NM_001282948.2, NM_001318154.2); c.3478T>C, p.Cys1160Arg (NM_001318153.2); c.4228T>C, p.Cys1410Arg (NM_001322252.2); c.3685T>C, p.Cys1229Arg (NM_001322254.2, NM_001322258.2); short protein forms C1229R, C1160R, C1410R, C1448R, C1266R.
Identifiers: ClinVar variation 952716 (VCV000952716.9), dbSNP rs370840996, ClinGen allele CA5518286.